The following is an entry in ClinVar:

NM_000384.3(APOB):c.5322_5325dup (p.Ser1776fs)

Gene: APOB (apolipoprotein B; minus strand). Cytogenetic location: 2p24.1.
Variant type: Duplication.
Coding change: c.5322_5325dup on transcript NM_000384.3 (MANE Select); coding-DNA positions 5322 to 5325, 4 bases duplicated (CAGC; older notation c.5322_5325dupCAGC).
Protein change: p.Ser1776fs; shifts the reading frame from serine 1776.
Molecular consequence: frameshift variant.
Genome position (GRCh38, 1-based): chr2:21,011,543-21,011,546, GCTG duplicated on the plus strand (CAGC on the coding strand, the reverse complement: APOB is on the minus strand). VCF-style (leftmost placement, unchanged base first): chr2-21011542-A-AGCTG. GRCh37 (hg19) VCF-style: chr2-21234414-A-AGCTG.
Other names: short protein forms S1776fs.
Identifiers: ClinVar variation 4886559 (VCV004886559.2).
Genomic context (GRCh38, chr2:21,011,542, plus strand): 5'-TAGTTACCAGAGAATAGGGCTGTAGCTGTAAATTAACAGTTTGCTTATAAAACTTGTCAG[A>AGCTG]GCTGTAAATGTTGTCAAGTTTTGAAGAGAAGTCCAGTGATAAGCCTGCAATGTTCAGACT-3'

ClinVar aggregate classification (germline): Likely pathogenic (1 of 4 stars; one submission).

Submission:

Dasa
Classification: Likely pathogenic. Last evaluated: 2025-08-01. Review status: criteria provided, single submitter. Criteria: DASA Assertion Criteria. Collection method: clinical testing. Allele origin: germline.
Comment: NM_000384.3(APOB):c.5322_5325dup (p.Ser1776Glnfs*3) is a frameshift variant in APOB predicted to alter the reading frame and introduce a premature termination codon and is predicted to result in an absent or altered protein product. Loss of function is an established disease mechanism for APOB (PMID: 27179706; PMID: 1527480; PMID: 2843815). Also, this variant is absent from population databases. Based on the currently available evidence, this variant is classified as likely pathogenic.

Literature cited by the submitters: PubMed 27179706; PubMed 1527480; PubMed 2843815.